The following is an entry in ClinVar:

NM_003924.4(PHOX2B):c.667G>A (p.Ala223Thr)

Gene: PHOX2B (paired like homeobox 2B; minus strand). Cytogenetic location: 4p13.
Variant type: single nucleotide variant.
Coding change: c.667G>A on transcript NM_003924.4 (MANE Select); coding-DNA position 667, G replaced by A.
Protein change: p.Ala223Thr; replaces alanine 223 with threonine.
Molecular consequence: missense variant.
Genome position (GRCh38, 1-based): chr4:41,746,085, C>T on the plus strand (G>A on the coding strand, the complement: PHOX2B is on the minus strand). VCF-style: chr4-41746085-C-T. GRCh37 (hg19) VCF-style: chr4-41748102-C-T.
Other names: short protein forms A223T.
Identifiers: ClinVar variation 960042 (VCV000960042.10), dbSNP rs747713899, ClinGen allele CA356737457.

ClinVar aggregate classification (germline): Uncertain significance. Review status: criteria provided, multiple submitters, no conflicts (2 of 4 stars). 2 submissions from 2 submitters: Uncertain significance (2). Last evaluated 2026-05-31.

Conditions:
Hereditary cancer-predisposing syndrome. Also called: Hereditary Cancer Syndrome; Neoplastic Syndromes, Hereditary; Tumor predisposition; Hereditary neoplastic syndrome. Identifiers: Orphanet 140162, MedGen C0027672, MeSH D009386, MONDO:0015356.
Haddad syndrome (OHD). Also called: Ondine-Hirschsprung disease. Identifiers: Orphanet 99803, MedGen C1859049, MONDO:0020493.

Submissions (2):

Ambry Genetics
Classification: Uncertain significance for Hereditary cancer-predisposing syndrome. Last evaluated: 2026-05-31. Review status: criteria provided, single submitter. Criteria: Ambry Variant Classification Scheme 2023. Collection method: clinical testing. Allele origin: germline.
Comment: The p.A223T variant (also known as c.667G>A), located in coding exon 3 of the PHOX2B gene, results from a G to A substitution at nucleotide position 667. The alanine at codon 223 is replaced by threonine, an amino acid with similar properties. This amino acid position is conserved. In addition, this alteration is predicted to be tolerated by in silico analysis. Based on the available evidence, the clinical significance of this variant remains unclear.

Labcorp Genetics (formerly Invitae), Labcorp
Classification: Uncertain significance for Haddad syndrome. Last evaluated: 2022-10-25. Review status: criteria provided, single submitter. Criteria: Invitae Variant Classification Sherloc (09022015). Collection method: clinical testing. Allele origin: germline.
Comment: This sequence change replaces alanine, which is neutral and non-polar, with threonine, which is neutral and polar, at codon 223 of the PHOX2B protein (p.Ala223Thr). This variant is not present in population databases (gnomAD no frequency). This variant has not been reported in the literature in individuals affected with PHOX2B-related conditions. ClinVar contains an entry for this variant (Variation ID: 960042). Advanced modeling of protein sequence and biophysical properties (such as structural, functional, and spatial information, amino acid conservation, physicochemical variation, residue mobility, and thermodynamic stability) performed at Invitae indicates that this missense variant is not expected to disrupt PHOX2B protein function. In summary, the available evidence is currently insufficient to determine the role of this variant in disease. Therefore, it has been classified as a Variant of Uncertain Significance.